The following is an entry in ClinVar:

NM_018006.5(TRMU):c.-35G>A

Gene: TRMU (tRNA mitochondrial 2-thiouridylase; plus strand). Cytogenetic location: 22q13.31.
Variant type: single nucleotide variant.
Coding change: c.-35G>A on transcript NM_018006.5 (MANE Select); 35 bases upstream of the start codon, G replaced by A.
Molecular consequence: 5 prime UTR variant. On other transcripts: non-coding transcript variant (2).
Genome position (GRCh38, 1-based): chr22:46,335,730, G>A. VCF-style: chr22-46335730-G-A. GRCh37 (hg19) VCF-style: chr22-46731627-G-A.
Other names: c.-270G>A (NM_001282782.2); c.-289G>A (NM_001282783.2, NM_001282784.2); c.-35G>A (NM_001282785.2).
Identifiers: ClinVar variation 342003 (VCV000342003.7), dbSNP rs775079522, ClinGen allele CA10291891.

ClinVar aggregate classification (germline): Uncertain significance. Review status: criteria provided, single submitter (1 of 4 stars). 2 submissions from 2 submitters: Uncertain significance (1). 1 of the submissions does not count toward it. Last evaluated 2018-01-12.

Conditions:
TRMU-related disorder. Also called: TRMU-related condition.
Acute infantile liver failure due to synthesis defect of mtDNA-encoded proteins. Also called: Liver failure acute infantile; TRMU Deficiency; LIVER FAILURE, INFANTILE, TRANSIENT. Identifiers: Orphanet 217371, MedGen C3278664, MONDO:0013111, OMIM 613070.

Allele frequency attached by ClinVar (database versions not stated): gnomAD exomes 0.00004; gnomAD 0.00001 and below 0.00001; ExAC 0.00023.
gnomAD v4.1: 37 of 1,540,758 alleles (0.0024%); highest among the groups gnomAD compares: South Asian, 0.04%; no homozygotes.

Submissions (2):

Illumina Laboratory Services, Illumina
Classification: Uncertain significance for Acute infantile liver failure due to synthesis defect of mtDNA-encoded proteins. Last evaluated: 2018-01-12. Review status: criteria provided, single submitter. Criteria: ICSL Variant Classification Criteria 13 December 2019. Collection method: clinical testing. Allele origin: germline.

PreventionGenetics, part of Exact Sciences
Classification: Uncertain significance for TRMU-related condition. Last evaluated: 2023-12-20. Review status: no assertion criteria provided. Collection method: clinical testing. Allele origin: germline. Not counted in ClinVar's aggregate classification.
Comment: The TRMU c.-35G>A variant is located in the 5' untranslated region. To our knowledge, this variant has not been reported in the literature. This variant is reported in 0.022% of alleles in individuals of South Asian descent in gnomAD. At this time, the clinical significance of this variant is uncertain due to the absence of conclusive functional and genetic evidence.